The following is an entry in ClinVar:

ClinVar aggregate classification (germline): Benign/Likely benign. Review status: criteria provided, multiple submitters, no conflicts (2 of 4 stars). 4 submissions from 4 submitters: Benign (2); Likely benign (2). Last evaluated 2026-02-04.

Conditions:
Autoimmune lymphoproliferative syndrome type 1. Also called: AUTOIMMUNE LYMPHOPROLIFERATIVE SYNDROME, TYPE I, AUTOSOMAL DOMINANT. Identifiers: Orphanet 3261, MedGen C2717884, MONDO:0011158, OMIM 601859.

Allele frequency attached by ClinVar (database versions not stated): TOPMed 0.00147; 1000 Genomes Project 30x 0.00750; 1000 Genomes Project 0.00859; ESP Exome Variant Server 0.00038; gnomAD 0.00083.
gnomAD v4.1: 3,631 of 1,614,104 alleles (0.22%); highest among the groups gnomAD compares: South Asian, 2.4%; 57 homozygotes.

Submissions (4):

Labcorp Genetics (formerly Invitae), Labcorp
Classification: Benign for Autoimmune lymphoproliferative syndrome. Last evaluated: 2026-02-04. Review status: criteria provided, single submitter. Criteria: Invitae Variant Classification Sherloc (09022015). Collection method: clinical testing. Allele origin: germline.

Illumina Laboratory Services, Illumina
Classification: Benign for Autoimmune lymphoproliferative syndrome type 1. Last evaluated: 2018-03-06. Review status: criteria provided, single submitter. Criteria: ICSL Variant Classification Criteria 13 December 2019. Collection method: clinical testing. Allele origin: germline.
Comment: This variant was observed in the ICSL laboratory as part of a predisposition screen in an ostensibly healthy population. It had not been previously curated by ICSL or reported in the Human Gene Mutation Database (HGMD: prior to June 1st, 2018), and was therefore a candidate for classification through an automated scoring system. Utilizing variant allele frequency, disease prevalence and penetrance estimates, and inheritance mode, an automated score was calculated to assess if this variant is too frequent to cause the disease. Based on the score and internal cut-off values, a variant classified as benign is not then subjected to further curation. The score for this variant resulted in a classification of benign for this disease.

Genetic Services Laboratory, University of Chicago
Classification: Likely benign. Last evaluated: 2017-01-09. Review status: criteria provided, single submitter. Criteria: ACMG Guidelines, 2015. Collection method: clinical testing. Allele origin: germline. Affected: no.

Breakthrough Genomics
Classification: Likely benign. Review status: criteria provided, single submitter. Criteria: ACMG Guidelines, 2015. Collection method: not provided. Allele origin: germline. Inheritance: Autosomal dominant inheritance. Affected: yes.

NM_000043.6(FAS):c.103T>C (p.Leu35=)

Gene: FAS (Fas cell surface death receptor; plus strand). Cytogenetic location: 10q23.31.
Variant type: single nucleotide variant.
Coding change: c.103T>C on transcript NM_000043.6 (MANE Select); coding-DNA position 103, T replaced by C.
Protein change: p.Leu35=; no amino-acid change (leucine 35 retained).
Molecular consequence: synonymous variant. On other transcripts: non-coding transcript variant (7).
Genome position (GRCh38, 1-based): chr10:89,003,101, T>C. VCF-style: chr10-89003101-T-C. GRCh37 (hg19) VCF-style: chr10-90762858-T-C.
Other names: c.103T>C, p.Leu35= (NM_001320619.2, NM_152871.4, NM_152872.4).
Identifiers: ClinVar variation 301524 (VCV000301524.19), dbSNP rs9333296, ClinGen allele CA5593031.